The following is an entry in ClinVar:

ClinVar aggregate classification (germline): Pathogenic (1 of 4 stars; one submission).

Submission:

Labcorp Genetics (formerly Invitae), Labcorp
Classification: Pathogenic. Last evaluated: 2024-05-23. Review status: criteria provided, single submitter. Criteria: Invitae Variant Classification Sherloc (09022015). Collection method: clinical testing. Allele origin: germline.
Comment: This sequence change creates a premature translational stop signal (p.Ala461Profs*95) in the LZTR1 gene. It is expected to result in an absent or disrupted protein product. Loss-of-function variants in LZTR1 are known to be pathogenic (PMID: 24362817, 25335493, 25480913, 25795793, 29469822, 30368668, 30442762, 30442766, 30481304, 30859559). This variant is not present in population databases (gnomAD no frequency). This variant has not been reported in the literature in individuals affected with LZTR1-related conditions. ClinVar contains an entry for this variant (Variation ID: 2120067). For these reasons, this variant has been classified as Pathogenic.

Literature cited by the submitters: PubMed 24362817; PubMed 25335493; PubMed 25480913; PubMed 25795793; PubMed 29469822; PubMed 30368668; PubMed 30442762; PubMed 30442766; PubMed 30481304; PubMed 30859559.

NM_006767.4(LZTR1):c.1381del (p.Ala461fs)

Gene: LZTR1 (leucine zipper like post translational regulator 1; plus strand). Cytogenetic location: 22q11.21.
Variant type: Deletion.
Coding change: c.1381del on transcript NM_006767.4 (MANE Select); coding-DNA position 1381, one base deleted (G; older notation c.1381delG).
Protein change: p.Ala461fs; shifts the reading frame from alanine 461.
Molecular consequence: frameshift variant.
Genome position (GRCh38, 1-based): chr22:20,993,951, G deleted. VCF-style (leftmost placement, unchanged base first): chr22-20993950-AG-A. GRCh37 (hg19) VCF-style: chr22-21348239-AG-A.
Other names: short protein forms A461fs.
Identifiers: ClinVar variation 2120067 (VCV002120067.4), dbSNP rs2518620418, ClinGen allele CA2580099164.